The following is an entry in ClinVar:

NM_001040118.3(ARAP1):c.3139C>G (p.Gln1047Glu)

Gene: ARAP1 (ArfGAP with RhoGAP domain, ankyrin repeat and PH domain 1; minus strand). Cytogenetic location: 11q13.4.
Variant type: single nucleotide variant.
Coding change: c.3139C>G on transcript NM_001040118.3 (MANE Select); coding-DNA position 3139, C replaced by G.
Protein change: p.Gln1047Glu; replaces glutamine 1047 with glutamic acid.
Molecular consequence: missense variant. On other transcripts: non-coding transcript variant (1).
Genome position (GRCh38, 1-based): chr11:72,697,010, G>C on the plus strand (C>G on the coding strand, the complement: ARAP1 is on the minus strand). VCF-style: chr11-72697010-G-C. GRCh37 (hg19) VCF-style: chr11-72408055-G-C.
Other names: c.2221C>G, p.Gln741Glu (NM_001135190.2); c.2404C>G, p.Gln802Glu (NM_001369489.1, NM_015242.5); short protein forms Q1047E, Q741E, Q802E.
Identifiers: ClinVar variation 1236462 (VCV001236462.4), dbSNP rs56200889, ClinGen allele CA6173356.

ClinVar aggregate classification (germline): Benign. Review status: criteria provided, multiple submitters, no conflicts (2 of 4 stars). 2 submissions from 2 submitters: Benign (2). Last evaluated 2018-07-13.

Allele frequency attached by ClinVar (database versions not stated): ESP Exome Variant Server 0.23554; TOPMed 0.23677; 1000 Genomes Project 30x 0.24859; gnomAD exomes 0.24889; 1000 Genomes Project 0.24920; gnomAD 0.25133 and 0.25225; ExAC 0.26062.
gnomAD v4.1: 417,392 of 1,607,134 alleles (26%); highest among the groups gnomAD compares: South Asian, 29%; 55,317 homozygotes.

Submissions (2):

GeneDx
Classification: Benign. Last evaluated: 2018-07-13. Review status: criteria provided, single submitter. Criteria: GeneDx Variant Classification Process June 2021. Collection method: clinical testing. Allele origin: germline. Affected: yes.
Comment: This variant is associated with the following publications: (PMID: 29632382)

Breakthrough Genomics
Classification: Benign. Review status: criteria provided, single submitter. Criteria: ACMG Guidelines, 2015. Collection method: not provided. Allele origin: germline. Inheritance: Unknown mechanism. Affected: yes.